The following is an entry in ClinVar:

NM_001378454.1(ALMS1):c.9910T>A (p.Ser3304Thr)

Gene: ALMS1 (ALMS1 centrosome and basal body associated protein; plus strand). Cytogenetic location: 2p13.1.
Variant type: single nucleotide variant.
Coding change: c.9910T>A on transcript NM_001378454.1 (MANE Select); coding-DNA position 9910, T replaced by A.
Protein change: p.Ser3304Thr; replaces serine 3304 with threonine.
Molecular consequence: missense variant.
Genome position (GRCh38, 1-based): chr2:73,550,269, T>A. VCF-style: chr2-73550269-T-A. GRCh37 (hg19) VCF-style: chr2-73777396-T-A.
Other names: c.9913T>A, p.Ser3305Thr (NM_015120.4); short protein forms S3305T, S3304T.
Identifiers: ClinVar variation 2564332 (VCV002564332.2), dbSNP rs563057960, ClinGen allele CA50367986.
Genomic context (GRCh38, chr2:73,550,269, plus strand): 5'-TCTTTCTCAATCTCATGTCGCTATTTGTGTTTTGTATTACTTCCCCGTTTTTCTGTAGGA[T>A]CCAATGATGCCATTGCTCCAGACTTCCCAGCTCAGGTGCTAGGCACAAGAGATGATGACC-3'
Protein context (NP_001365383.1, residues 3294-3314): DTTVESSHSG[Ser3304Thr]NDAIAPDFPA

ClinVar aggregate classification (germline): Uncertain significance (1 of 4 stars; one submission).

Conditions:
Cardiovascular phenotype. Identifiers: MedGen CN230736.

Allele frequency attached by ClinVar (database versions not stated): gnomAD exomes 0.00001.
gnomAD v4.1: 4 of 1,614,066 alleles (0.00025%); highest among the groups gnomAD compares: Non-Finnish European, 0.00034%; no homozygotes.

Submission:

Ambry Genetics
Classification: Uncertain significance for Cardiovascular phenotype. Last evaluated: 2023-04-18. Review status: criteria provided, single submitter. Criteria: Ambry Variant Classification Scheme 2023. Collection method: clinical testing. Allele origin: germline.
Comment: The p.S3305T variant (also known as c.9913T>A), located in coding exon 13 of the ALMS1 gene, results from a T to A substitution at nucleotide position 9913. The serine at codon 3305 is replaced by threonine, an amino acid with similar properties. This amino acid position is highly conserved in available vertebrate species. In addition, this alteration is predicted to be tolerated by in silico analysis. Since supporting evidence is limited at this time, the clinical significance of this alteration remains unclear.